The following is an entry in ClinVar:

NM_020762.4(SRGAP1):c.2063T>C (p.Ile688Thr)

Gene: SRGAP1 (SLIT-ROBO Rho GTPase activating protein 1; plus strand). Cytogenetic location: 12q14.2.
Variant type: single nucleotide variant.
Coding change: c.2063T>C on transcript NM_020762.4 (MANE Select); coding-DNA position 2063, T replaced by C.
Protein change: p.Ile688Thr; replaces isoleucine 688 with threonine.
Molecular consequence: missense variant.
Genome position (GRCh38, 1-based): chr12:64,111,905, T>C. VCF-style: chr12-64111905-T-C. GRCh37 (hg19) VCF-style: chr12-64505685-T-C.
Other names: c.1994T>C, p.Ile665Thr (NM_001346201.2); short protein forms I665T, I688T.
Identifiers: ClinVar variation 1050135 (VCV001050135.1), dbSNP rs1252384765, ClinGen allele CA385589876.

ClinVar aggregate classification (germline): Uncertain significance (0 of 4 stars; one submission).

Allele frequency attached by ClinVar (database versions not stated): gnomAD exomes below 0.00001.
gnomAD v4.1: 3 of 1,614,108 alleles (0.00019%); highest among the groups gnomAD compares: Non-Finnish European, 0.00025%; no homozygotes.

Submission:

Department of Pathology and Laboratory Medicine, Sinai Health System
Classification: Uncertain significance. Review status: no assertion criteria provided. Collection method: clinical testing. Allele origin: unknown. Affected: yes. Study: The Canadian Open Genetics Repository (COGR).
Comment: The SRGAP1 p.Ile688Thr variant was not identified in the literature nor was it identified in ClinVar. The variant was identified in dbSNP (ID: rs1252384765) and in control databases in 1 of 251168 chromosomes at a frequency of 0.000003981 (Genome Aggregation Database March 6, 2019, v2.1.1). The variant was observed in the European (non-Finnish) population in 1 of 113536 chromosomes (freq: 0.000009), but was not observed in the African, Latino, Ashkenazi Jewish, East Asian, European (Finnish), Other, or South Asian populations. The p.Ile688 residue is conserved in mammals but not in more distantly related organisms, and four out of five computational analyses (PolyPhen-2, SIFT, AlignGVGD, BLOSUM, MutationTaster) suggest that the variant may impact the protein; however, this information is not predictive enough to assume pathogenicity. The variant occurs outside of the splicing consensus sequence and in silico or computational prediction software programs (SpliceSiteFinder, MaxEntScan, NNSPLICE, GeneSplicer) do not predict a difference in splicing. In summary, based on the above information the clinical significance of this variant cannot be determined with certainty at this time. This variant is classified as a variant of uncertain significance.